The following is an entry in ClinVar:

ClinVar aggregate classification (germline): Uncertain significance (1 of 4 stars; one submission).

Conditions:
Autosomal dominant nonsyndromic hearing loss 56. Also called: Deafness, autosomal dominant 56. Identifiers: Orphanet 90635, MedGen C3810170, MONDO:0014283, OMIM 615629.

Submission:

Geisinger Autism and Developmental Medicine Institute, Geisinger Health System
Classification: Uncertain significance for Autosomal dominant nonsyndromic hearing loss 56. Last evaluated: 2018-04-12. Review status: criteria provided, single submitter. Criteria: ACMG CNV Guidelines, 2011. Collection method: provider interpretation. Allele origin: maternal.
Comment: This duplication includes the entirity of TNC and DEC1, and a portion of PAPPA and TNFSF8. The clinical significance of carrying three copies of these genes is unclear at this time.

Literature cited by the submitters: PubMed 23936043.

Single allele

Genes: DELEC1 (deleted in esophageal cancer 1; plus strand), PAPPA (pappalysin 1; plus strand), TNC (tenascin C; minus strand), TNFSF8 (TNF superfamily member 8; minus strand). Cytogenetic location: 9q32-33.1.
Variant type: Duplication.
Identifiers: ClinVar variation 560147 (VCV000560147.3).